The following is an entry in ClinVar:

ClinVar aggregate classification (germline): Conflicting classifications of pathogenicity. Review status: criteria provided, conflicting classifications (1 of 4 stars). 2 submissions from 2 submitters: Uncertain significance (1); Likely benign (1). Last evaluated 2022-08-23.

Allele frequency attached by ClinVar (database versions not stated): TOPMed 0.00002; ExAC 0.00004; gnomAD 0.00004 and 0.00005; gnomAD exomes 0.00004; ESP Exome Variant Server 0.00008.

Submissions (2):

Labcorp Genetics (formerly Invitae), Labcorp
Classification: Uncertain significance. Last evaluated: 2022-08-23. Review status: criteria provided, single submitter. Criteria: Invitae Variant Classification Sherloc (09022015). Collection method: clinical testing. Allele origin: germline.
Comment: This sequence change replaces arginine, which is basic and polar, with histidine, which is basic and polar, at codon 57 of the NDUFS8 protein (p.Arg57His). This variant is present in population databases (rs370053943, gnomAD 0.01%). This variant has not been reported in the literature in individuals affected with NDUFS8-related conditions. ClinVar contains an entry for this variant (Variation ID: 379353). Algorithms developed to predict the effect of missense changes on protein structure and function (SIFT, PolyPhen-2, Align-GVGD) all suggest that this variant is likely to be tolerated. In summary, the available evidence is currently insufficient to determine the role of this variant in disease. Therefore, it has been classified as a Variant of Uncertain Significance.

GeneDx
Classification: Likely benign. Last evaluated: 2015-04-10. Review status: criteria provided, single submitter. Criteria: GeneDx Variant Classification (06012015). Collection method: clinical testing. Allele origin: germline. Affected: yes.
Comment: This variant is considered likely benign or benign based on one or more of the following criteria: it is a conservative change, it occurs at a poorly conserved position in the protein, it is predicted to be benign by multiple in silico algorithms, and/or has population frequency not consistent with disease.

NM_002496.4(NDUFS8):c.170G>A (p.Arg57His)

Gene: NDUFS8 (NADH:ubiquinone oxidoreductase core subunit S8; plus strand). Cytogenetic location: 11q13.2.
Variant type: single nucleotide variant.
Coding change: c.170G>A on transcript NM_002496.4 (MANE Select); coding-DNA position 170, G replaced by A.
Protein change: p.Arg57His; replaces arginine 57 with histidine.
Molecular consequence: missense variant.
Genome position (GRCh38, 1-based): chr11:68,032,983, G>A. VCF-style: chr11-68032983-G-A. GRCh37 (hg19) VCF-style: chr11-67800450-G-A.
Other names: short protein forms R57H.
Identifiers: ClinVar variation 379353 (VCV000379353.3), dbSNP rs370053943, ClinGen allele CA6146392.